The following is an entry in ClinVar:

ClinVar aggregate classification (germline): Uncertain significance (1 of 4 stars; one submission).

Conditions:
Ataxia-telangiectasia syndrome (AT). Also called: LOUIS-BAR SYNDROME; Cerebello-oculocutaneous telangiectasia; Immunodeficiency with ataxia telangiectasia; Ataxia-telangiectasia, complementation group D; AT, COMPLEMENTATION GROUP C; ATAXIA-TELANGIECTASIA, COMPLEMENTATION GROUP A. Identifiers: Orphanet 100, MedGen C0004135, MONDO:0008840, OMIM 208900.

Submission:

Labcorp Genetics (formerly Invitae), Labcorp
Classification: Uncertain significance for Ataxia-telangiectasia syndrome. Last evaluated: 2025-10-27. Review status: criteria provided, single submitter. Criteria: Invitae Variant Classification Sherloc (09022015). Collection method: clinical testing. Allele origin: germline.
Comment: This sequence change replaces cysteine, which is neutral and slightly polar, with serine, which is neutral and polar, at codon 2464 of the ATM protein (p.Cys2464Ser). This variant is not present in population databases (gnomAD no frequency). This variant has not been reported in the literature in individuals affected with ATM-related conditions. Invitae Evidence Modeling of protein sequence and biophysical properties (such as structural, functional, and spatial information, amino acid conservation, physicochemical variation, residue mobility, and thermodynamic stability) indicates that this missense variant is not expected to disrupt ATM protein function with a negative predictive value of 95%. In summary, the available evidence is currently insufficient to determine the role of this variant in disease. Therefore, it has been classified as a Variant of Uncertain Significance.

NM_000051.4(ATM):c.7390T>A (p.Cys2464Ser)

Genes: ATM (ATM serine/threonine kinase; plus strand), C11orf65 (chromosome 11 open reading frame 65; minus strand). Cytogenetic location: 11q22.3.
Variant type: single nucleotide variant.
Coding change: c.7390T>A on transcript NM_000051.4 (MANE Select); coding-DNA position 7390, T replaced by A.
Protein change: p.Cys2464Ser; replaces cysteine 2464 with serine.
Molecular consequence: missense variant. On other transcripts: intron variant (2).
Genome position (GRCh38, 1-based): chr11:108,330,296, T>A. VCF-style: chr11-108330296-T-A. GRCh37 (hg19) VCF-style: chr11-108201023-T-A.
Other names: c.7390T>A, p.Cys2464Ser (NM_001351834.2); c.641-21225A>T (NM_001330368.2); c.*38+4924A>T (NM_001351110.2); short protein forms C2464S.
Identifiers: ClinVar variation 4747259 (VCV004747259.1).